The following is an entry in ClinVar:

ClinVar aggregate classification (germline): Likely pathogenic (1 of 4 stars; one submission).

Conditions:
Hereditary breast ovarian cancer syndrome. Also called: Hereditary breast and ovarian cancer syndrome (HBOC); Breast and ovarian cancer; Hereditary breast and/or ovarian cancer syndrome; BRCA1- and BRCA2-Associated Hereditary Breast and Ovarian Cancer; Hereditary breast and ovarian cancer syndrome; Hereditary breast and ovarian cancer. Identifiers: Orphanet 145, MedGen C0677776, MeSH D061325, MONDO:0003582. Disease mechanism: loss of function.

Submission:

Labcorp Genetics (formerly Invitae), Labcorp
Classification: Likely pathogenic for Hereditary breast ovarian cancer syndrome. Last evaluated: 2024-07-05. Review status: criteria provided, single submitter. Criteria: Invitae Variant Classification Sherloc (09022015). Collection method: clinical testing. Allele origin: germline.
Comment: This variant results in the deletion of part of exon 7(c.517-29_519del) of the BRCA2 gene. It is expected to disrupt RNA splicing. Variants that disrupt the donor or acceptor splice site typically lead to a loss of protein function (PMID: 16199547), and loss-of-function variants in BRCA2 are known to be pathogenic (PMID: 20104584). This variant is not present in population databases (gnomAD no frequency). This variant has not been reported in the literature in individuals affected with BRCA2-related conditions. ClinVar contains an entry for this variant (Variation ID: 1066558). In summary, the currently available evidence indicates that the variant is pathogenic, but additional data are needed to prove that conclusively. Therefore, this variant has been classified as Likely Pathogenic.

Literature cited by the submitters: PubMed 16199547; PubMed 20104584.

NM_000059.4(BRCA2):c.517-29_519del

Gene: BRCA2 (BRCA2 DNA repair associated; plus strand). Cytogenetic location: 13q13.1.
Variant type: Deletion.
Coding change: c.517-29_519del on transcript NM_000059.4 (MANE Select); 29 bases into the intron before coding-DNA position 517 through coding-DNA position 519, 32 bases deleted.
Molecular consequence: splice acceptor variant.
Genome position (GRCh38, 1-based): chr13:32,326,470-32,326,501, 32 bases deleted; deleting any 32 consecutive bases within chr13:32,326,469-32,326,501 gives the same sequence; the c. name uses the placement nearest the transcript's 3' end. GRCh37 (hg19): chr13:32,900,607-32,900,638.
Identifiers: ClinVar variation 1066558 (VCV001066558.9), dbSNP rs2137451744, ClinGen allele CA2499222043.